The following is an entry in ClinVar:

ClinVar aggregate classification (germline): Benign/Likely benign. Review status: criteria provided, multiple submitters, no conflicts (2 of 4 stars). 4 submissions from 4 submitters: Benign (1); Likely benign (3). Last evaluated 2026-09-23.

Conditions:
Neurofibromatosis, type 1 (NF1). Also called: Neurofibromatosis, type I; VON RECKLINGHAUSEN DISEASE; Peripheral type neurofibromatosis; NEUROFIBROMATOSIS, TYPE I, SOMATIC. Identifiers: Orphanet 636, MedGen C0027831, MONDO:0018975, OMIM 162200. Disease mechanism: loss of function.
Juvenile myelomonocytic leukemia (JMML). Also called: LEUKEMIA, JUVENILE MYELOMONOCYTIC, SOMATIC. Identifiers: Orphanet 86834, MedGen C0349639, MONDO:0011908, OMIM 607785, HP:0012209.
Neurofibromatosis-Noonan syndrome (NFNS). Also called: NEUROFIBROMATOSIS WITH NOONAN PHENOTYPE. Identifiers: Orphanet 638, MedGen C2931482, MONDO:0011035, OMIM 601321. Disease mechanism: loss of function.
Neurofibromatosis, familial spinal (FSNF). Identifiers: Orphanet 636, MedGen C1834235, MONDO:0008078, OMIM 162210. Disease mechanism: loss of function.
Café-au-lait macules with pulmonary stenosis (WTSN). Also called: PULMONIC STENOSIS WITH CAFE-AU-LAIT SPOTS. Identifiers: MedGen C0553586, MONDO:0008672, OMIM 193520.
Cardiovascular phenotype. Identifiers: MedGen CN230736.
Hereditary cancer-predisposing syndrome. Also called: Hereditary Cancer Syndrome; Hereditary neoplastic syndrome; Neoplastic Syndromes, Hereditary; Tumor predisposition. Identifiers: Orphanet 140162, MedGen C0027672, MeSH D009386, MONDO:0015356.

Submissions (4):

Myriad Genetics, Inc.
Classification: Benign for Neurofibromatosis, type 1. Last evaluated: 2026-09-23. Review status: criteria provided, single submitter. Criteria: Myriad Autosomal Dominant, Autosomal Recessive and X-Linked Classification Criteria (2023). Collection method: clinical testing. Allele origin: unknown.
Comment: This variant is considered benign. This variant is a silent/synonymous amino acid change and it is not expected to impact splicing.

Labcorp Genetics (formerly Invitae), Labcorp
Classification: Likely benign for Neurofibromatosis, type 1. Last evaluated: 2026-01-06. Review status: criteria provided, single submitter. Criteria: Invitae Variant Classification Sherloc (09022015). Collection method: clinical testing. Allele origin: germline.

Fulgent Genetics
Classification: Likely benign for Neurofibromatosis, type 1; Neurofibromatosis, familial spinal; Café-au-lait macules with pulmonary stenosis; Neurofibromatosis-Noonan syndrome; Juvenile myelomonocytic leukemia. Last evaluated: 2021-12-05. Review status: criteria provided, single submitter. Criteria: ACMG Guidelines, 2015. Collection method: clinical testing. Allele origin: unknown.

Ambry Genetics
Classification: Likely benign for Cardiovascular phenotype; Hereditary cancer-predisposing syndrome. Last evaluated: 2020-04-12. Review status: criteria provided, single submitter. Criteria: Ambry Variant Classification Scheme 2023. Collection method: clinical testing. Allele origin: germline.

NM_001042492.3(NF1):c.6120T>C (p.Ser2040=)

Gene: NF1 (neurofibromin 1; plus strand). Cytogenetic location: 17q11.2.
Variant type: single nucleotide variant.
Coding change: c.6120T>C on transcript NM_001042492.3 (MANE Select); coding-DNA position 6120, T replaced by C.
Protein change: p.Ser2040=; no amino-acid change (serine 2040 retained).
Molecular consequence: synonymous variant.
Genome position (GRCh38, 1-based): chr17:31,336,446, T>C. VCF-style: chr17-31336446-T-C. GRCh37 (hg19) VCF-style: chr17-29663464-T-C.
Other names: c.6057T>C, p.Ser2019= (NM_000267.4).
Identifiers: ClinVar variation 1144454 (VCV001144454.11), dbSNP rs2069671357, ClinGen allele CA499446495.